The following is an entry in ClinVar:

NM_000053.4(ATP7B):c.3858C>T (p.Thr1286=)

Gene: ATP7B (ATPase copper transporting beta; minus strand). Cytogenetic location: 13q14.3.
Variant type: single nucleotide variant.
Coding change: c.3858C>T on transcript NM_000053.4 (MANE Select); coding-DNA position 3858, C replaced by T.
Protein change: p.Thr1286=; no amino-acid change (threonine 1286 retained).
Molecular consequence: synonymous variant.
Genome position (GRCh38, 1-based): chr13:51,937,521, G>A on the plus strand (C>T on the coding strand, the complement: ATP7B is on the minus strand). VCF-style: chr13-51937521-G-A. GRCh37 (hg19) VCF-style: chr13-52511657-G-A.
Other names: c.3858C>T (NM_000053.3); c.3237C>T, p.Thr1079= (NM_001005918.3); c.3525C>T, p.Thr1175= (NM_001243182.2); c.3624C>T, p.Thr1208= (NM_001330578.2); c.3606C>T, p.Thr1202= (NM_001330579.2).
Identifiers: ClinVar variation 1117173 (VCV001117173.13), dbSNP rs558520674, ClinGen allele CA6988557.

ClinVar aggregate classification (germline): Likely benign. Review status: criteria provided, multiple submitters, no conflicts (2 of 4 stars). 5 submissions from 5 submitters: Likely benign (5). Last evaluated 2026-04-21.

Conditions:
Inborn genetic diseases. Identifiers: MedGen C0950123, MeSH D030342.
Wilson disease (WND). Also called: Wilson's disease. Identifiers: Orphanet 905, MedGen C0019202, MONDO:0010200, OMIM 277900. Disease mechanism: loss of function.
ATP7B-related disorder. Also called: ATP7B-related condition.

Allele frequency attached by ClinVar (database versions not stated): gnomAD 0.00001 and 0.00004; ExAC 0.00002; 1000 Genomes Project 30x 0.00016; 1000 Genomes Project 0.00020.
gnomAD v4.1: 28 of 1,614,158 alleles (0.0017%); highest among the groups gnomAD compares: South Asian, 0.013%; no homozygotes.

Submissions (5):

PreventionGenetics, part of Exact Sciences
Classification: Likely benign for ATP7B-related condition. Last evaluated: 2026-04-21. Review status: criteria provided, single submitter. Criteria: ACMG Guidelines, 2015. Collection method: clinical testing. Allele origin: germline.
Comment: This variant is classified as likely benign based on ACMG/AMP sequence variant interpretation guidelines (Richards et al. 2015 PMID: 25741868, with internal and published modifications).

Labcorp Genetics (formerly Invitae), Labcorp
Classification: Likely benign for Wilson disease. Last evaluated: 2026-01-06. Review status: criteria provided, single submitter. Criteria: Invitae Variant Classification Sherloc (09022015). Collection method: clinical testing. Allele origin: germline.

Ambry Genetics
Classification: Likely benign for Inborn genetic diseases. Last evaluated: 2025-10-23. Review status: criteria provided, single submitter. Criteria: Ambry Variant Classification Scheme 2023. Collection method: clinical testing. Allele origin: germline.

All of Us Research Program, National Institutes of Health
Classification: Likely benign for Wilson disease. Last evaluated: 2024-03-24. Review status: criteria provided, single submitter. Criteria: ACMG Guidelines, 2015. Collection method: clinical testing. Allele origin: germline. Inheritance: Autosomal recessive inheritance. Observed: 6 variant alleles, 6 heterozygotes.
Comment: This study involves interpretation of variants in research participants for the purpose of population health screening. Participant phenotype was not available at the time of variant classification. Additional details can be found in publication PMID: 35346344, PMCID: PMC8962531

Color Diagnostics, LLC DBA Color Health
Classification: Likely benign for Wilson disease. Last evaluated: 2022-06-15. Review status: criteria provided, single submitter. Criteria: ACMG Guidelines, 2015. Collection method: clinical testing. Allele origin: germline.